The following is an entry in ClinVar:

NM_006086.4(TUBB3):c.326G>T (p.Gly109Val)

Gene: TUBB3 (tubulin beta 3 class III; plus strand). Cytogenetic location: 16q24.3.
Variant type: single nucleotide variant.
Coding change: c.326G>T on transcript NM_006086.4 (MANE Select); coding-DNA position 326, G replaced by T.
Protein change: p.Gly109Val; replaces glycine 109 with valine.
Molecular consequence: missense variant.
Genome position (GRCh38, 1-based): chr16:89,934,777, G>T. VCF-style: chr16-89934777-G-T. GRCh37 (hg19) VCF-style: chr16-90001185-G-T.
Other names: c.110G>T, p.Gly37Val (NM_001197181.2); short protein forms G109V, G37V.
Identifiers: ClinVar variation 5018209 (VCV005018209.1).
Genomic context (GRCh38, chr16:89,934,777, plus strand): 5'-CTCCCTGTACAGGTCAGAGTGGGGCCGGCAACAACTGGGCCAAGGGTCACTACACGGAGG[G>T]GGCGGAGCTGGTGGATTCGGTCCTGGATGTGGTGCGGAAGGAGTGTGAAAACTGCGACTG-3'
Protein context (NP_006077.2, residues 99-119): NNWAKGHYTE[Gly109Val]AELVDSVLDV

ClinVar aggregate classification (germline): Uncertain significance (1 of 4 stars; one submission).

Submission:

GeneDx
Classification: Uncertain significance. Last evaluated: 2026-04-06. Review status: criteria provided, single submitter. Criteria: GeneDx Variant Classification Process June 2021. Collection method: clinical testing. Allele origin: germline.
Comment: Not observed at significant frequency in large population cohorts (gnomAD); Missense variants in this gene are a common cause of disease and they are underrepresented in the general population; In silico analysis supports that this missense variant has a deleterious effect on protein structure/function; Has not been previously published as pathogenic or benign to our knowledge; This variant is associated with the following publications: (PMID: 20829227)